The following is an entry in ClinVar:

ClinVar aggregate classification (germline): Uncertain significance (1 of 4 stars; one submission).

Conditions:
Glycogen storage disease IXb (GSD9B). Also called: PHOSPHORYLASE KINASE DEFICIENCY OF LIVER AND MUSCLE, AUTOSOMAL RECESSIVE; GLYCOGENOSIS OF LIVER AND MUSCLE, AUTOSOMAL RECESSIVE; GSD IXb. Identifiers: Orphanet 79240, MedGen C0543514, MONDO:0009868, OMIM 261750.

gnomAD v4.1: 41 of 1,445,546 alleles (0.0028%); highest among the groups gnomAD compares: East Asian, 0.084%; no homozygotes.

Submission:

Juno Genomics, Hangzhou Juno Genomics, Inc
Classification: Uncertain significance for Glycogen storage disease IXb. Review status: criteria provided, single submitter. Criteria: ACMG Guidelines, 2015. Collection method: clinical testing. Allele origin: germline.
Comment: Absent from controls (or at extremely low frequency if recessive) in Genome Aggregation Database.;Multiple lines of computational evidence suggest no impact on gene or gene product.

NM_000293.3(PHKB):c.306-27G>A

Gene: PHKB (phosphorylase kinase regulatory subunit beta; plus strand). Cytogenetic location: 16q12.1.
Variant type: single nucleotide variant.
Coding change: c.306-27G>A on transcript NM_000293.3 (MANE Select); 27 bases into the intron before coding-DNA position 306, G replaced by A.
Molecular consequence: intron variant.
Genome position (GRCh38, 1-based): chr16:47,502,964, G>A. VCF-style: chr16-47502964-G-A. GRCh37 (hg19) VCF-style: chr16-47536875-G-A.
Other names: c.306-27G>A (NM_001363837.1); c.285-27G>A (NM_001031835.3).
Identifiers: ClinVar variation 5005588 (VCV005005588.2).